The following is an entry in ClinVar:

ClinVar aggregate classification (germline): Uncertain significance. Review status: criteria provided, multiple submitters, no conflicts (2 of 4 stars). 2 submissions from 2 submitters: Uncertain significance (2). Last evaluated 2024-09-05.

Conditions:
Inborn genetic diseases. Identifiers: MedGen C0950123, MeSH D030342.
Primary ciliary dyskinesia. Also called: Ciliary dyskinesia. Identifiers: Orphanet 244, MedGen C0008780, MONDO:0016575, HP:0012265.

Allele frequency attached by ClinVar (database versions not stated): gnomAD exomes below 0.00001; ExAC 0.00001.
gnomAD v4.1: 6 of 1,614,002 alleles (0.00037%); highest among the groups gnomAD compares: South Asian, 0.0055%; no homozygotes.

Submissions (2):

Ambry Genetics
Classification: Uncertain significance for Inborn genetic diseases. Last evaluated: 2024-09-05. Review status: criteria provided, single submitter. Criteria: Ambry Variant Classification Scheme 2023. Collection method: clinical testing. Allele origin: germline.

Labcorp Genetics (formerly Invitae), Labcorp
Classification: Uncertain significance for Primary ciliary dyskinesia. Last evaluated: 2022-06-13. Review status: criteria provided, single submitter. Criteria: Invitae Variant Classification Sherloc (09022015). Collection method: clinical testing. Allele origin: germline.
Comment: This sequence change replaces glutamine, which is neutral and polar, with proline, which is neutral and non-polar, at codon 160 of the DRC1 protein (p.Gln160Pro). This variant is not present in population databases (gnomAD no frequency). This variant has not been reported in the literature in individuals affected with DRC1-related conditions. In summary, the available evidence is currently insufficient to determine the role of this variant in disease. Therefore, it has been classified as a Variant of Uncertain Significance. Algorithms developed to predict the effect of missense changes on protein structure and function are either unavailable or do not agree on the potential impact of this missense change (SIFT: "Deleterious"; PolyPhen-2: "Probably Damaging"; Align-GVGD: "Class C0").

NM_145038.5(DRC1):c.479A>C (p.Gln160Pro)

Gene: DRC1 (dynein regulatory complex subunit 1; plus strand). Cytogenetic location: 2p23.3.
Variant type: single nucleotide variant.
Coding change: c.479A>C on transcript NM_145038.5 (MANE Select); coding-DNA position 479, A replaced by C.
Protein change: p.Gln160Pro; replaces glutamine 160 with proline.
Molecular consequence: missense variant.
Genome position (GRCh38, 1-based): chr2:26,424,393, A>C. VCF-style: chr2-26424393-A-C. GRCh37 (hg19) VCF-style: chr2-26647261-A-C.
Other names: c.479A>C (NM_145038.2); short protein forms Q160P.
Identifiers: ClinVar variation 1354474 (VCV001354474.9), dbSNP rs762794275, ClinGen allele CA1561871.